The following is an entry in ClinVar:

NM_012073.5(CCT5):c.823A>G (p.Lys275Glu)

Gene: CCT5 (chaperonin containing TCP1 subunit 5; plus strand). Cytogenetic location: 5p15.2.
Variant type: single nucleotide variant.
Coding change: c.823A>G on transcript NM_012073.5 (MANE Select); coding-DNA position 823, A replaced by G.
Protein change: p.Lys275Glu; replaces lysine 275 with glutamic acid.
Molecular consequence: missense variant.
Genome position (GRCh38, 1-based): chr5:10,258,485, A>G. VCF-style: chr5-10258485-A-G. GRCh37 (hg19) VCF-style: chr5-10258597-A-G.
Other names: c.760A>G, p.Lys254Glu (NM_001306153.1); c.658A>G, p.Lys220Glu (NM_001306154.2); c.544A>G, p.Lys182Glu (NM_001306155.2); c.709A>G, p.Lys237Glu (NM_001306156.2); short protein forms K275E, K220E, K254E, K237E, K182E.
Identifiers: ClinVar variation 3664246 (VCV003664246.2).
Genomic context (GRCh38, chr5:10,258,485, plus strand): 5'-TTTGAACCACCCAAACCAAAAACAAAGCATAAGCTGGATGTGACCTCTGTCGAAGATTAT[A>G]AAGCCCTTCAGAAATACGAAAAGGAGAAATTTGAAGAGATGATTCAACAAGTAAGTCTTA-3'
Protein context (NP_036205.1, residues 265-285): KLDVTSVEDY[Lys275Glu]ALQKYEKEKF

ClinVar aggregate classification (germline): Uncertain significance (1 of 4 stars; one submission).

Conditions:
Hereditary sensory and autonomic neuropathy with spastic paraplegia (HSNSP). Identifiers: Orphanet 139578, MedGen C1850395, MONDO:0009748, OMIM 256840.

Submission:

Labcorp Genetics (formerly Invitae), Labcorp
Classification: Uncertain significance for Hereditary sensory and autonomic neuropathy with spastic paraplegia. Last evaluated: 2024-09-02. Review status: criteria provided, single submitter. Criteria: Invitae Variant Classification Sherloc (09022015). Collection method: clinical testing. Allele origin: germline.
Comment: This sequence change replaces lysine, which is basic and polar, with glutamic acid, which is acidic and polar, at codon 275 of the CCT5 protein (p.Lys275Glu). This variant is not present in population databases (gnomAD no frequency). This variant has not been reported in the literature in individuals affected with CCT5-related conditions. Invitae Evidence Modeling of protein sequence and biophysical properties (such as structural, functional, and spatial information, amino acid conservation, physicochemical variation, residue mobility, and thermodynamic stability) indicates that this missense variant is not expected to disrupt CCT5 protein function with a negative predictive value of 80%. In summary, the available evidence is currently insufficient to determine the role of this variant in disease. Therefore, it has been classified as a Variant of Uncertain Significance.